The following is an entry in ClinVar:

NM_182925.5(FLT4):c.3778A>C (p.Met1260Leu)

Gene: FLT4 (fms related receptor tyrosine kinase 4; minus strand). Cytogenetic location: 5q35.3.
Variant type: single nucleotide variant.
Coding change: c.3778A>C on transcript NM_182925.5 (MANE Select); coding-DNA position 3778, A replaced by C.
Protein change: p.Met1260Leu; replaces methionine 1260 with leucine.
Molecular consequence: missense variant.
Genome position (GRCh38, 1-based): chr5:180,609,934, T>G on the plus strand (A>C on the coding strand, the complement: FLT4 is on the minus strand). VCF-style: chr5-180609934-T-G. GRCh37 (hg19) VCF-style: chr5-180036934-T-G.
Other names: c.3778A>C (NM_182925.4); c.3778A>C, p.Met1260Leu (NM_001354989.2, NM_002020.5); short protein forms M1260L.
Identifiers: ClinVar variation 3279267 (VCV003279267.3).
Genomic context (GRCh38, chr5:180,609,934, plus strand): 5'-GAGCGCAGCCCCCACCCTTCATGTGAAGTACCACAGAGCCTTTGTAGGTCGTTGGGGTCA[T>G]GGGGAATTCCTCAAATGTCTTCATCCTGGAGGAACCACGGGTCTCAGCCCCTCTGGCCAG-3'
Protein context (NP_891555.2, residues 1250-1270): SRMKTFEEFP[Met1260Leu]TPTTYKGSVD

ClinVar aggregate classification (germline): Uncertain significance. Review status: criteria provided, multiple submitters, no conflicts (2 of 4 stars). 3 submissions from 3 submitters: Uncertain significance (3). Last evaluated 2025-11-23.

Conditions:
FLT4-related disorder. Also called: FLT4-related condition.
Inborn genetic diseases. Identifiers: MedGen C0950123, MeSH D030342.
Capillary infantile hemangioma. Also called: Hemangioma, capillary infantile, somatic; Hereditary capillary infantile hemangioma; HEMANGIOMA, HEREDITARY CAPILLARY. Identifiers: MedGen C1865871, MONDO:0011191, OMIM 602089.
Congenital heart defects, multiple types, 7. Identifiers: MedGen C5394062, MONDO:0032913, OMIM 618780.
Hereditary lymphedema type I (LMPHM1). Also called: LYMPHATIC MALFORMATION 1; Milroy Disease; Nonne-Milroy disease; Congenital hereditary lymphedema; Early onset lymphedema; Hereditary lymphedema 1. Identifiers: Orphanet 79452, MedGen C1704423, MONDO:0007919, OMIM 153100.

Submissions (3):

PreventionGenetics, part of Exact Sciences
Classification: Uncertain significance for FLT4-related condition. Last evaluated: 2025-11-23. Review status: criteria provided, single submitter. Criteria: ACMG Guidelines, 2015. Collection method: clinical testing. Allele origin: germline.
Comment: The FLT4 c.3778A>C variant is predicted to result in the amino acid substitution p.Met1260Leu. To our knowledge, this variant has not been reported in the literature. This variant is reported in 0.0054% of alleles in individuals of East Asian descent in gnomAD. At this time, the clinical significance of this variant is uncertain due to the absence of conclusive functional and genetic evidence.

Ambry Genetics
Classification: Uncertain significance for Inborn genetic diseases. Last evaluated: 2024-06-07. Review status: criteria provided, single submitter. Criteria: Ambry Variant Classification Scheme 2023. Collection method: clinical testing. Allele origin: germline.

Department of Pathology and Laboratory Medicine, Sinai Health System
Classification: Uncertain significance for Hereditary lymphedema type I; Capillary infantile hemangioma; Congenital heart defects, multiple types, 7. Last evaluated: 2021-07-30. Review status: criteria provided, single submitter. Criteria: ACMG Guidelines, 2015. Collection method: research. Allele origin: germline.